The following is an entry in ClinVar:

ClinVar aggregate classification (germline): Uncertain significance. Review status: reviewed by expert panel (3 of 4 stars). 3 submissions from 3 submitters: Uncertain significance (1). 2 of the submissions do not count toward it. Last evaluated 2024-07-25.

Conditions:
Hereditary thrombocytopenia and hematological cancer predisposition syndrome associated with RUNX1. Also called: PLATELET DISORDER, ASPIRIN-LIKE; RUNX1 Familial Platelet Disorder with Associated Myeloid Malignancies; Familial Platelet Disorder with Propensity to Acute Myelogenous Leukemia; Familial thrombocytopenia with propensity to acute myelogenous leukemia. Identifiers: Orphanet 71290, MedGen C1832388, MeSH C563324, MONDO:0100083, OMIM 601399.
Hereditary thrombocytopenia and hematologic cancer predisposition syndrome. Identifiers: Orphanet 71290, MedGen CN281654, MONDO:0011071.
Acute myeloid leukemia (AML). Also called: Acute myeloid leukemia, adult; AML adult; Acute non-lymphocytic leukemia; Acute granulocytic leukemia; Leukemia, acute myeloid, somatic; Leukemia, acute myelogenous, somatic. Identifiers: Orphanet 519, MedGen C0023467, MeSH D015470, MONDO:0018874, OMIM 601626, HP:0004808. Disease mechanism: Constitutively activated FLT3.

gnomAD v4.1: 2 of 1,614,078 alleles (0.00012%); highest among the groups gnomAD compares: East Asian, 0.0022%; no homozygotes.

Submissions (3):

ClinGen Myeloid Malignancy Variant Curation Expert Panel
Classification: Uncertain significance for Hereditary thrombocytopenia and hematologic cancer predisposition syndrome. Last evaluated: 2024-07-25. Review status: reviewed by expert panel. Criteria: ClinGen MyeloMalig ACMG Specifications v2. Collection method: curation. Allele origin: germline. Inheritance: Autosomal dominant inheritance.
Comment: NM_001754.5(RUNX1):c.917G>C (p.Arg306Pro) is a missense variant which does not meet any ACMG/AMP criteria. In summary, this variant meets the criteria to be classified as a variant of uncertain significance. ACMG/AMP criteria applied, as specified by the Myeloid Malignancy Variant Curation Expert Panel for RUNX1: None.

Baylor Genetics
Classification: Uncertain significance for Acute myeloid leukemia. Last evaluated: 2023-12-18. Review status: criteria provided, single submitter. Criteria: ACMG Guidelines, 2015. Collection method: clinical testing. Allele origin: unknown. Not counted in ClinVar's aggregate classification.

Labcorp Genetics (formerly Invitae), Labcorp
Classification: Uncertain significance for Hereditary thrombocytopenia and hematological cancer predisposition syndrome associated with RUNX1. Last evaluated: 2022-01-27. Review status: criteria provided, single submitter. Criteria: Invitae Variant Classification Sherloc (09022015). Collection method: clinical testing. Allele origin: germline. Not counted in ClinVar's aggregate classification.
Comment: This variant is present in population databases (no rsID available, gnomAD 0.006%). In summary, the available evidence is currently insufficient to determine the role of this variant in disease. Therefore, it has been classified as a Variant of Uncertain Significance. Algorithms developed to predict the effect of missense changes on protein structure and function are either unavailable or do not agree on the potential impact of this missense change (SIFT: "Tolerated"; PolyPhen-2: "Possibly Damaging"; Align-GVGD: "Class C0"). ClinVar contains an entry for this variant (Variation ID: 838046). This variant has not been reported in the literature in individuals affected with RUNX1-related conditions. This sequence change replaces arginine, which is basic and polar, with proline, which is neutral and non-polar, at codon 306 of the RUNX1 protein (p.Arg306Pro).

NM_001754.5(RUNX1):c.917G>C (p.Arg306Pro)

Gene: RUNX1 (RUNX family transcription factor 1; minus strand). Cytogenetic location: 21q22.12.
Variant type: single nucleotide variant.
Coding change: c.917G>C on transcript NM_001754.5 (MANE Select); coding-DNA position 917, G replaced by C.
Protein change: p.Arg306Pro; replaces arginine 306 with proline.
Molecular consequence: missense variant.
Genome position (GRCh38, 1-based): chr21:34,799,351, C>G on the plus strand (G>C on the coding strand, the complement: RUNX1 is on the minus strand). VCF-style: chr21-34799351-C-G. GRCh37 (hg19) VCF-style: chr21-36171648-C-G.
Other names: NM_001754.5(RUNX1):c.917G>C; p.Arg306Pro; c.836G>C, p.Arg279Pro (NM_001001890.3); short protein forms R306P, R279P.
Identifiers: ClinVar variation 838046 (VCV000838046.11), dbSNP rs139336358, ClinGen allele CA410149662.
Genomic context (GRCh38, chr21:34,799,351, plus strand): 5'-AGTGGCTTACTTGAGAGTCGACTGGAAAGTTCTGCAGAGAGGGTTGTCATGCCGCTGGCA[C>G]GTCCAGGTGAAATGGGCGTTGCTGGGTGCACAGAAGGAGAGGCAATGGATCCCAGGTATT-3'
Protein context (NP_001745.2, residues 296-316): VHPATPISPG[Arg306Pro]ASGMTTLSAE